The following is an entry in ClinVar:

ClinVar aggregate classification (germline): Pathogenic (1 of 4 stars; one submission).

Conditions:
Long chain 3-hydroxyacyl-CoA dehydrogenase deficiency. Also called: LCHAD Deficiency; Deficiency of long-chain 3-hydroxyacyl-coenzyme A dehydrogenase. Identifiers: Orphanet 5, MedGen C3711645, MONDO:0012173, OMIM 609016.
Mitochondrial trifunctional protein deficiency. Identifiers: Orphanet 746, MedGen C1969443, MONDO:0012172.

Submission:

Labcorp Genetics (formerly Invitae), Labcorp
Classification: Pathogenic for Mitochondrial trifunctional protein deficiency; Long chain 3-hydroxyacyl-CoA dehydrogenase deficiency. Last evaluated: 2023-02-26. Review status: criteria provided, single submitter. Criteria: Invitae Variant Classification Sherloc (09022015). Collection method: clinical testing. Allele origin: unknown.
Comment: This variant has not been reported in the literature in individuals affected with HADHA-related conditions. This variant disrupts a region of the HADHA protein in which other variant(s) (p.Thr745Serfs*8) have been determined to be pathogenic (Invitae). This suggests that this is a clinically significant region of the protein, and that variants that disrupt it are likely to be disease-causing. For these reasons, this variant has been classified as Pathogenic. This variant is a gross deletion of the genomic region encompassing exon(s) 19-20 of the HADHA gene, which includes the termination codon. This deletion extends beyond the assayed region for this gene and therefore may encompass additional genes. While this deletion is not anticipated to lead to nonsense mediated decay, it is expected to alter mRNA translation or result in a truncated protein product.

NC_000002.11:g.(?_26414119)_(26414517_?)del

Gene: HADHA (hydroxyacyl-CoA dehydrogenase trifunctional multienzyme complex subunit alpha; minus strand). Cytogenetic location: 2p23.3.
Variant type: Deletion.
Identifiers: ClinVar variation 3247342 (VCV003247342.1).